The following is an entry in ClinVar:

ClinVar aggregate classification (germline): Benign. Review status: criteria provided, single submitter (1 of 4 stars). 2 submissions from 2 submitters: Benign (1). 1 of the submissions does not count toward it. Last evaluated 2025-12-16.

Conditions:
VPS11-related disorder. Also called: VPS11-related condition.

Allele frequency attached by ClinVar (database versions not stated): gnomAD exomes 0.00006 and 0.00019; 1000 Genomes Project 30x 0.00031; ExAC 0.00036; 1000 Genomes Project 0.00040; ESP Exome Variant Server 0.00049; gnomAD 0.00065 and 0.00068; TOPMed 0.00068.
gnomAD v4.1: 198 of 1,606,522 alleles (0.012%); highest among the groups gnomAD compares: African/African-American, 0.22%; no homozygotes.

Submissions (2):

Labcorp Genetics (formerly Invitae), Labcorp
Classification: Benign. Last evaluated: 2025-12-16. Review status: criteria provided, single submitter. Criteria: Invitae Variant Classification Sherloc (09022015). Collection method: clinical testing. Allele origin: germline.

PreventionGenetics, part of Exact Sciences
Classification: Likely benign for VPS11-related condition. Last evaluated: 2019-08-27. Review status: no assertion criteria provided. Collection method: clinical testing. Allele origin: germline. Not counted in ClinVar's aggregate classification.
Comment: This variant is classified as likely benign based on ACMG/AMP sequence variant interpretation guidelines (Richards et al. 2015 PMID: 25741868, with internal and published modifications).

NM_021729.6(VPS11):c.87C>T (p.Pro29=)

Gene: VPS11 (VPS11 core subunit of CORVET and HOPS complexes; plus strand). Cytogenetic location: 11q23.3.
Variant type: single nucleotide variant.
Coding change: c.87C>T on transcript NM_021729.6 (MANE Select); coding-DNA position 87, C replaced by T.
Protein change: p.Pro29=; no amino-acid change (proline 29 retained).
Molecular consequence: synonymous variant. On other transcripts: 5 prime UTR variant (1), non-coding transcript variant (8).
Genome position (GRCh38, 1-based): chr11:119,067,910, C>T. VCF-style: chr11-119067910-C-T. GRCh37 (hg19) VCF-style: chr11-118938621-C-T.
Other names: c.-159C>T (NM_001290185.2); c.87C>T, p.Pro29= (NM_001378218.1, NM_001378219.1, NM_001378220.1).
Identifiers: ClinVar variation 784205 (VCV000784205.12), dbSNP rs141677018, ClinGen allele CA229658352.